The following is an entry in ClinVar:

ClinVar aggregate classification (germline): Likely pathogenic (1 of 4 stars; one submission).

Conditions:
Charcot-Marie-Tooth disease axonal type 2S. Also called: CHARCOT-MARIE-TOOTH NEUROPATHY, TYPE 2S; CHARCOT-MARIE-TOOTH DISEASE, AXONAL, AUTOSOMAL RECESSIVE, TYPE 2S. Identifiers: Orphanet 443073, MedGen C4015349, MONDO:0014511, OMIM 616155.
Autosomal recessive distal spinal muscular atrophy 1. Also called: HMN VI; NEURONOPATHY, SEVERE INFANTILE AXONAL, WITH RESPIRATORY FAILURE; SEVERE INFANTILE AXONAL NEUROPATHY WITH RESPIRATORY FAILURE; SPINAL MUSCULAR ATROPHY, DIAPHRAGMATIC; Spinal muscular atrophy with respiratory distress 1; NEURONOPATHY, DISTAL HEREDITARY MOTOR, HARDING TYPE VI. Identifiers: Orphanet 98920, MedGen C1858517, MONDO:0011436, OMIM 604320.

Allele frequency attached by ClinVar (database versions not stated): gnomAD exomes below 0.00001; gnomAD 0.00001.
gnomAD v4.1: 2 of 1,614,082 alleles (0.00012%); highest among the groups gnomAD compares: Admixed American, 0.0033%; no homozygotes.

Submission:

Labcorp Genetics (formerly Invitae), Labcorp
Classification: Likely pathogenic for Autosomal recessive distal spinal muscular atrophy 1; Charcot-Marie-Tooth disease axonal type 2S. Last evaluated: 2023-09-06. Review status: criteria provided, single submitter. Criteria: Invitae Variant Classification Sherloc (09022015). Collection method: clinical testing. Allele origin: germline.
Comment: This variant is not present in population databases (gnomAD no frequency). This sequence change replaces glycine, which is neutral and non-polar, with glutamic acid, which is acidic and polar, at codon 61 of the IGHMBP2 protein (p.Gly61Glu). In summary, the currently available evidence indicates that the variant is pathogenic, but additional data are needed to prove that conclusively. Therefore, this variant has been classified as Likely Pathogenic. This variant disrupts the p.Gly61 amino acid residue in IGHMBP2. Other variant(s) that disrupt this residue have been determined to be pathogenic (Invitae). This suggests that this residue is clinically significant, and that variants that disrupt this residue are likely to be disease-causing. Advanced modeling of protein sequence and biophysical properties (such as structural, functional, and spatial information, amino acid conservation, physicochemical variation, residue mobility, and thermodynamic stability) performed at Invitae indicates that this missense variant is expected to disrupt IGHMBP2 protein function. This variant has not been reported in the literature in individuals affected with IGHMBP2-related conditions.

NM_002180.3(IGHMBP2):c.182G>A (p.Gly61Glu)

Gene: IGHMBP2 (immunoglobulin mu DNA binding protein 2; plus strand). Cytogenetic location: 11q13.3.
Variant type: single nucleotide variant.
Coding change: c.182G>A on transcript NM_002180.3 (MANE Select); coding-DNA position 182, G replaced by A.
Protein change: p.Gly61Glu; replaces glycine 61 with glutamic acid.
Molecular consequence: missense variant.
Genome position (GRCh38, 1-based): chr11:68,906,164, G>A. VCF-style: chr11-68906164-G-A. GRCh37 (hg19) VCF-style: chr11-68673632-G-A.
Other names: short protein forms G61E.
Identifiers: ClinVar variation 2935889 (VCV002935889.3), dbSNP rs1858185076, ClinGen allele CA381642417.